The following is an entry in ClinVar:

NM_006514.4(SCN10A):c.937G>T (p.Gly313Ter)

Gene: SCN10A (sodium voltage-gated channel alpha subunit 10; minus strand). Cytogenetic location: 3p22.2.
Variant type: single nucleotide variant.
Coding change: c.937G>T on transcript NM_006514.4 (MANE Select); coding-DNA position 937, G replaced by T.
Protein change: p.Gly313Ter; replaces glycine 313 with a stop codon.
Molecular consequence: nonsense.
Genome position (GRCh38, 1-based): chr3:38,760,694, C>A on the plus strand (G>T on the coding strand, the complement: SCN10A is on the minus strand). VCF-style: chr3-38760694-C-A. GRCh37 (hg19) VCF-style: chr3-38802185-C-A.
Other names: c.937G>T (NM_006514.2); c.937G>T, p.Gly313Ter (NM_001293307.2, NM_001293306.2); short protein forms G313*.
Identifiers: ClinVar variation 3338172 (VCV003338172.3).

ClinVar aggregate classification (germline): Uncertain significance. Review status: criteria provided, single submitter (1 of 4 stars). 2 submissions from 2 submitters: Uncertain significance (1). 1 of the submissions does not count toward it. Last evaluated 2026-02-09.

Conditions:
Autism (AUTS). Also called: Autistic disorder; Autistic disorder of childhood onset. Identifiers: MedGen C0004352, MeSH D001321, MONDO:0005260, OMIM 209850, HP:0000717.
Cardiovascular phenotype. Identifiers: MedGen CN230736.

gnomAD v4.1: 11 of 1,613,810 alleles (0.00068%); highest among the groups gnomAD compares: South Asian, 0.012%; no homozygotes.

Submissions (2):

Ambry Genetics
Classification: Uncertain significance for Cardiovascular phenotype. Last evaluated: 2026-02-09. Review status: criteria provided, single submitter. Criteria: Ambry Variant Classification Scheme 2023. Collection method: clinical testing. Allele origin: germline.
Comment: The p.G313* variant (also known as c.937G>T), located in coding exon 7 of the SCN10A gene, results from a G to T substitution at nucleotide position 937. This changes the amino acid from a glycine to a stop codon within coding exon 7. The evidence for this gene-disease relationship is limited; therefore, the clinical significance of this variant is unclear.

Centre for Addiction & Mental Health
Classification: Uncertain significance for Autism. Review status: no assertion criteria provided. Collection method: research. Allele origin: biparental. Affected: yes. Observed: 1 homozygote. Segregation with disease observed. Not counted in ClinVar's aggregate classification.
Comment: Gene not previously associated with disease; independent supportng evidence needed